The following is an entry in ClinVar:

ClinVar aggregate classification (germline): Conflicting classifications of pathogenicity. Review status: criteria provided, conflicting classifications (1 of 4 stars). 6 submissions from 6 submitters: Uncertain significance (3); Likely benign (2). 1 of the submissions does not count toward it. Last evaluated 2024-02-18.

Conditions:
Familial cancer of breast. Also called: Hereditary breast cancer; hereditary breast carcinoma; BREAST CANCER, FAMILIAL. Identifiers: Orphanet 227535, MedGen C0346153, MONDO:0016419, OMIM 114480. Disease mechanism: loss of function.
Breast-ovarian cancer, familial, susceptibility to, 2 (BROVCA2). Also called: BRCA2 Hereditary Breast and Ovarian Cancer. Identifiers: Orphanet 145, MedGen C2675520, MONDO:0012933, OMIM 612555. Disease mechanism: loss of function.
Wilms tumor 1 (WT1). Also called: Wilms tumor, somatic. Identifiers: Orphanet 654, MedGen CN033288, MONDO:0008679, OMIM 194070.
Pancreatic cancer, susceptibility to, 2. Identifiers: Orphanet 1333, MedGen C3150546, MONDO:0013235, OMIM 613347.
Glioma susceptibility 3 (GLM3). Also called: Glioblastoma 3. Identifiers: Orphanet 182067, Orphanet 360, MedGen C2751641, MONDO:0013093, OMIM 613029.
Familial prostate cancer. Also called: Hereditary Prostate Cancer. Identifiers: MedGen C2931456, MONDO:0700275, OMIM 176807.
Fanconi anemia complementation group D1. Also called: BRCA2-Related Fanconi Anemia. Identifiers: Orphanet 319462, MedGen C1838457, MONDO:0011584, OMIM 605724.
Medulloblastoma (MDB). Also called: MEDULLOBLASTOMA PREDISPOSITION SYNDROME; Medulloblastoma, somatic. Identifiers: Orphanet 616, MedGen C0025149, MeSH D008527, MONDO:0007959, OMIM 155255, HP:0002885.
Hereditary cancer-predisposing syndrome. Also called: Hereditary Cancer Syndrome; Neoplastic Syndromes, Hereditary; Tumor predisposition; Hereditary neoplastic syndrome. Identifiers: Orphanet 140162, MedGen C0027672, MeSH D009386, MONDO:0015356.

Submissions (6):

Fulgent Genetics
Classification: Uncertain significance for Familial cancer of breast; Medulloblastoma; Familial prostate cancer; Wilms tumor 1; Fanconi anemia complementation group D1; Breast-ovarian cancer, familial, susceptibility to, 2; Glioma susceptibility 3; Pancreatic cancer, susceptibility to, 2. Last evaluated: 2024-02-18. Review status: criteria provided, single submitter. Criteria: ACMG Guidelines, 2015. Collection method: clinical testing. Allele origin: germline.

GeneDx
Classification: Uncertain significance. Last evaluated: 2024-02-12. Review status: criteria provided, single submitter. Criteria: GeneDx Variant Classification Process June 2021. Collection method: clinical testing. Allele origin: germline. Affected: yes.
Comment: In silico analysis supports a deleterious effect on protein structure/function; Has not been previously published as pathogenic or benign to our knowledge; Also known as 4638_4640delinsCAT; This variant is associated with the following publications: (PMID: 29884841, 31911673)

Color Diagnostics, LLC DBA Color Health
Classification: Uncertain significance for Hereditary cancer-predisposing syndrome. Last evaluated: 2023-12-05. Review status: criteria provided, single submitter. Criteria: ACMG Guidelines, 2015. Collection method: clinical testing. Allele origin: germline.
Comment: This missense variant replaces arginine with isoleucine at codon 1471 of the BRCA2 protein. To our knowledge, functional studies have not been reported for this variant. This variant has not been reported in individuals affected with BRCA2-related disorders in the literature. This variant has not been identified in the general population by the Genome Aggregation Database (gnomAD). The available evidence is insufficient to determine the role of this variant in disease conclusively. Therefore, this variant is classified as a Variant of Uncertain Significance.

University of Washington Department of Laboratory Medicine, University of Washington
Classification: Likely benign for Hereditary cancer-predisposing syndrome. Last evaluated: 2023-03-23. Review status: criteria provided, single submitter. Criteria: Dines et al. (Genet Med. 2020). Collection method: curation. Allele origin: germline.
Comment: Missense variant in a coldspot region where missense variants are very unlikely to be pathogenic (PMID:31911673).

BRCA2 exon 11 coldspot. Reclassification based on statistical prior probability.

Ambry Genetics
Classification: Likely benign for Hereditary cancer-predisposing syndrome. Last evaluated: 2022-12-14. Review status: criteria provided, single submitter. Criteria: Ambry Variant Classification Scheme 2023. Collection method: clinical testing. Allele origin: germline.

Counsyl
Classification: Uncertain significance for Breast-ovarian cancer, familial, susceptibility to, 2. Last evaluated: 2015-11-21. Review status: no assertion criteria provided. Collection method: clinical testing. Allele origin: unknown. Not counted in ClinVar's aggregate classification.

NM_000059.4(BRCA2):c.4410_4412delinsCAT (p.Arg1471Ile)

Gene: BRCA2 (BRCA2 DNA repair associated; plus strand). Cytogenetic location: 13q13.1.
Variant type: Indel.
Coding change: c.4410_4412delinsCAT on transcript NM_000059.4 (MANE Select); coding-DNA positions 4410 to 4412, AAG replaced by CAT.
Protein change: p.Arg1471Ile; replaces arginine 1471 with isoleucine.
Molecular consequence: missense variant.
Genome position (GRCh38, 1-based): chr13:32,338,765-32,338,767, AAG replaced by CAT. VCF-style: chr13-32338765-AAG-CAT. GRCh37 (hg19) VCF-style: chr13-32912902-AAG-CAT.
Other names: c.4410_4412delAAGinsCAT (NM_000059.3); c.4410_4412delinsCAT (NM_000059.3); short protein forms R1471I.
Identifiers: ClinVar variation 185249 (VCV000185249.14), dbSNP rs786202031, ClinGen allele CA020128.